The following is an entry in ClinVar:

ClinVar aggregate classification (germline): Uncertain significance (1 of 4 stars; one submission).

Conditions:
PURA-related severe neonatal hypotonia-seizures-encephalopathy syndrome (NEDRIHF). Also called: PURA-Related Neurodevelopmental Disorders; NEURODEVELOPMENTAL DISORDER WITH NEONATAL RESPIRATORY INSUFFICIENCY, HYPOTONIA, AND FEEDING DIFFICULTIES. Identifiers: Orphanet 438213, Orphanet 438216, MedGen C4015357, MONDO:1060108, OMIM 616158, MONDO:0018580.

gnomAD v4.1: 6 of 1,614,174 alleles (0.00037%); highest among the groups gnomAD compares: East Asian, 0.0022%; no homozygotes.

Submission:

Labcorp Genetics (formerly Invitae), Labcorp
Classification: Uncertain significance for PURA-related severe neonatal hypotonia-seizures-encephalopathy syndrome. Last evaluated: 2025-08-10. Review status: criteria provided, single submitter. Criteria: Invitae Variant Classification Sherloc (09022015). Collection method: clinical testing. Allele origin: germline.
Comment: This sequence change affects codon 215 of the PURA mRNA. It is a 'silent' change, meaning that it does not change the encoded amino acid sequence of the PURA protein. This variant is not present in population databases (gnomAD no frequency). This variant has not been reported in the literature in individuals affected with PURA-related conditions. ClinVar contains an entry for this variant (Variation ID: 3695309). Experimental studies and prediction algorithms are not available or were not evaluated, and the effect of this variant on mRNA splicing is currently unknown. In summary, the available evidence is currently insufficient to determine the role of this variant in disease. Therefore, it has been classified as a Variant of Uncertain Significance.

NM_005859.5(PURA):c.645G>C (p.Pro215=)

Gene: PURA (purine rich element binding protein A; plus strand). Cytogenetic location: 5q31.3.
Variant type: single nucleotide variant.
Coding change: c.645G>C on transcript NM_005859.5 (MANE Select); coding-DNA position 645, G replaced by C.
Protein change: p.Pro215=; no amino-acid change (proline 215 retained).
Molecular consequence: synonymous variant.
Genome position (GRCh38, 1-based): chr5:140,114,826, G>C. VCF-style: chr5-140114826-G-C. GRCh37 (hg19) VCF-style: chr5-139494411-G-C.
Identifiers: ClinVar variation 3695309 (VCV003695309.2).